The following is an entry in ClinVar:

NM_001430.5(EPAS1):c.1312T>C (p.Trp438Arg)

Gene: EPAS1 (endothelial PAS domain protein 1; plus strand). Cytogenetic location: 2p21.
Variant type: single nucleotide variant.
Coding change: c.1312T>C on transcript NM_001430.5 (MANE Select); coding-DNA position 1312, T replaced by C.
Protein change: p.Trp438Arg; replaces tryptophan 438 with arginine.
Molecular consequence: missense variant.
Genome position (GRCh38, 1-based): chr2:46,377,956, T>C. VCF-style: chr2-46377956-T-C. GRCh37 (hg19) VCF-style: chr2-46605095-T-C.
Other names: short protein forms W438R.
Identifiers: ClinVar variation 1769708 (VCV001769708.2), dbSNP rs368272792, ClinGen allele CA46563829.

ClinVar aggregate classification (germline): Uncertain significance (1 of 4 stars; one submission).

Conditions:
Inborn genetic diseases. Identifiers: MedGen C0950123, MeSH D030342.

Allele frequency attached by ClinVar (database versions not stated): TOPMed below 0.00001; gnomAD 0.00001; gnomAD exomes 0.00001.
gnomAD v4.1: 12 of 1,562,750 alleles (0.00077%); highest among the groups gnomAD compares: Admixed American, 0.0019%; no homozygotes.

Submission:

Ambry Genetics
Classification: Uncertain significance for Inborn genetic diseases. Last evaluated: 2022-08-22. Review status: criteria provided, single submitter. Criteria: Ambry Variant Classification Scheme 2023. Collection method: clinical testing. Allele origin: germline.
Comment: The p.W438R variant (also known as c.1312T>C), located in coding exon 10 of the EPAS1 gene, results from a T to C substitution at nucleotide position 1312. The tryptophan at codon 438 is replaced by arginine, an amino acid with dissimilar properties. This amino acid position is conserved. In addition, the in silico prediction for this alteration is inconclusive. Since supporting evidence is limited at this time, the clinical significance of this alteration remains unclear.